The following is an entry in ClinVar:

ClinVar aggregate classification (germline): Uncertain significance (1 of 4 stars; one submission).

Submission:

Labcorp Genetics (formerly Invitae), Labcorp
Classification: Uncertain significance. Last evaluated: 2022-06-08. Review status: criteria provided, single submitter. Criteria: Invitae Variant Classification Sherloc (09022015). Collection method: clinical testing. Allele origin: germline.
Comment: In summary, the available evidence is currently insufficient to determine the role of this variant in disease. Therefore, it has been classified as a Variant of Uncertain Significance. Algorithms developed to predict the effect of missense changes on protein structure and function (SIFT, PolyPhen-2, Align-GVGD) all suggest that this variant is likely to be tolerated. This variant has not been reported in the literature in individuals affected with IL6R-related conditions. This variant is not present in population databases (gnomAD no frequency). This sequence change replaces aspartic acid, which is acidic and polar, with tyrosine, which is neutral and polar, at codon 240 of the IL6R protein (p.Asp240Tyr).

NM_000565.4(IL6R):c.718G>T (p.Asp240Tyr)

Gene: IL6R (interleukin 6 receptor; plus strand). Cytogenetic location: 1q21.3.
Variant type: single nucleotide variant.
Coding change: c.718G>T on transcript NM_000565.4 (MANE Select); coding-DNA position 718, G replaced by T.
Protein change: p.Asp240Tyr; replaces aspartic acid 240 with tyrosine.
Molecular consequence: missense variant.
Genome position (GRCh38, 1-based): chr1:154,435,067, G>T. VCF-style: chr1-154435067-G-T. GRCh37 (hg19) VCF-style: chr1-154407543-G-T.
Other names: c.718G>T, p.Asp240Tyr (NM_001206866.2, NM_001382769.1, NM_001382770.1 and 4 more transcripts); c.358G>T, p.Asp120Tyr (NM_001382774.1); short protein forms D240Y, D120Y.
Identifiers: ClinVar variation 2002756 (VCV002002756.4), dbSNP rs2525503125, ClinGen allele CA342613036.
Genomic context (GRCh38, chr1:154,435,067, plus strand): 5'-GCCAACATCACAGTCACTGCCGTGGCCAGAAACCCCCGCTGGCTCAGTGTCACCTGGCAA[G>T]ACCCCCACTCCTGGAACTCATCTTTCTACAGACTACGGTTTGAGCTCAGATATCGGGCTG-3'
Protein context (NP_000556.1, residues 230-250): NPRWLSVTWQ[Asp240Tyr]PHSWNSSFYR